The following is an entry in ClinVar:

ClinVar aggregate classification (germline): Conflicting classifications of pathogenicity. Review status: criteria provided, conflicting classifications (1 of 4 stars). 3 submissions from 3 submitters: Uncertain significance (2); Likely benign (1). Last evaluated 2025-05-26.

Conditions:
Inborn genetic diseases. Identifiers: MedGen C0950123, MeSH D030342.
Methylcobalamin deficiency type cblG (HMAG). Also called: Functional methionine synthase deficiency type cblG; HOMOCYSTINURIA-MEGALOBLASTIC ANEMIA, cblG TYPE; HOMOCYSTINURIA-MEGALOBLASTIC ANEMIA DUE TO DEFECT IN COBALAMIN METABOLISM, cblG COMPLEMENTATION TYPE; HOMOCYSTINURIA-MEGALOBLASTIC ANEMIA, cblG COMPLEMENTATION TYPE. Identifiers: Orphanet 2170, Orphanet 622, MedGen C1855128, MONDO:0009609, OMIM 250940.

Allele frequency attached by ClinVar (database versions not stated): ExAC 0.00018; TOPMed 0.00018; 1000 Genomes Project 0.00020; gnomAD 0.00020; 1000 Genomes Project 30x 0.00031; ESP Exome Variant Server 0.00031.
gnomAD v4.1: 185 of 1,614,018 alleles (0.011%); highest among the groups gnomAD compares: Non-Finnish European, 0.014%; no homozygotes.

Submissions (3):

Ambry Genetics
Classification: Uncertain significance for Inborn genetic diseases. Last evaluated: 2025-05-26. Review status: criteria provided, single submitter. Criteria: Ambry Variant Classification Scheme 2023. Collection method: clinical testing. Allele origin: germline.

Labcorp Genetics (formerly Invitae), Labcorp
Classification: Uncertain significance for Methylcobalamin deficiency type cblG. Last evaluated: 2024-10-07. Review status: criteria provided, single submitter. Criteria: Invitae Variant Classification Sherloc (09022015). Collection method: clinical testing. Allele origin: germline.
Comment: This sequence change replaces isoleucine, which is neutral and non-polar, with threonine, which is neutral and polar, at codon 661 of the MTR protein (p.Ile661Thr). This variant is present in population databases (rs148897041, gnomAD 0.03%). This variant has not been reported in the literature in individuals affected with MTR-related conditions. ClinVar contains an entry for this variant (Variation ID: 1511150). Invitae Evidence Modeling of protein sequence and biophysical properties (such as structural, functional, and spatial information, amino acid conservation, physicochemical variation, residue mobility, and thermodynamic stability) indicates that this missense variant is not expected to disrupt MTR protein function with a negative predictive value of 95%. In summary, the available evidence is currently insufficient to determine the role of this variant in disease. Therefore, it has been classified as a Variant of Uncertain Significance.

CeGaT Center for Human Genetics Tuebingen
Classification: Likely benign. Last evaluated: 2022-09-01. Review status: criteria provided, single submitter. Criteria: CeGaT Center For Human Genetics Tuebingen Variant Classification Criteria Version 2. Collection method: clinical testing. Allele origin: germline. Affected: yes. Observed: 1 variant allele.
Comment: MTR: BP4

NM_000254.3(MTR):c.1982T>C (p.Ile661Thr)

Gene: MTR (5-methyltetrahydrofolate-homocysteine methyltransferase; plus strand). Cytogenetic location: 1q43.
Variant type: single nucleotide variant.
Coding change: c.1982T>C on transcript NM_000254.3 (MANE Select); coding-DNA position 1982, T replaced by C.
Protein change: p.Ile661Thr; replaces isoleucine 661 with threonine.
Molecular consequence: missense variant.
Genome position (GRCh38, 1-based): chr1:236,859,861, T>C. VCF-style: chr1-236859861-T-C. GRCh37 (hg19) VCF-style: chr1-237023161-T-C.
Other names: c.1982T>C, p.Ile661Thr (NM_001291939.1); c.761T>C, p.Ile254Thr (NM_001291940.2); c.1982T>C (NM_000254.2); short protein forms I254T, I661T.
Identifiers: ClinVar variation 1511150 (VCV001511150.36), dbSNP rs148897041, ClinGen allele CA1474236.